The following is an entry in ClinVar:

NM_032242.4(PLXNA1):c.370G>A (p.Ala124Thr)

Gene: PLXNA1 (plexin A1; plus strand). Cytogenetic location: 3q21.3.
Variant type: single nucleotide variant.
Coding change: c.370G>A on transcript NM_032242.4 (MANE Select); coding-DNA position 370, G replaced by A.
Protein change: p.Ala124Thr; replaces alanine 124 with threonine.
Molecular consequence: missense variant.
Genome position (GRCh38, 1-based): chr3:126,988,963, G>A. VCF-style: chr3-126988963-G-A. GRCh37 (hg19) VCF-style: chr3-126707806-G-A.
Other names: c.370G>A (NM_032242.3); short protein forms A124T.
Identifiers: ClinVar variation 2672952 (VCV002672952.23), dbSNP rs367975178, ClinGen allele CA2592973.

ClinVar aggregate classification (germline): Uncertain significance. Review status: criteria provided, single submitter (1 of 4 stars). 2 submissions from 2 submitters: Uncertain significance (1). 1 of the submissions does not count toward it. Last evaluated 2023-11-01.

Conditions:
PLXNA1-related disorder. Also called: PLXNA1-related condition.

Allele frequency attached by ClinVar (database versions not stated): gnomAD exomes 0.00001; ExAC 0.00002.
gnomAD v4.1: 4 of 1,613,198 alleles (0.00025%); highest among the groups gnomAD compares: East Asian, 0.0022%; no homozygotes.

Submissions (2):

CeGaT Center for Human Genetics Tuebingen
Classification: Uncertain significance. Last evaluated: 2023-11-01. Review status: criteria provided, single submitter. Criteria: CeGaT Center For Human Genetics Tuebingen Variant Classification Criteria Version 2. Collection method: clinical testing. Allele origin: germline. Affected: yes. Observed: 1 variant allele.
Comment: PLXNA1: PM2

PreventionGenetics, part of Exact Sciences
Classification: Uncertain significance for PLXNA1-related condition. Last evaluated: 2024-03-29. Review status: no assertion criteria provided. Collection method: clinical testing. Allele origin: germline. Not counted in ClinVar's aggregate classification.
Comment: The PLXNA1 c.370G>A variant is predicted to result in the amino acid substitution p.Ala124Thr. To our knowledge, this variant has not been reported in the literature. This variant is reported in 0.0065% of alleles in individuals of South Asian descent in gnomAD. At this time, the clinical significance of this variant is uncertain due to the absence of conclusive functional and genetic evidence.